The following is an entry in ClinVar:

ClinVar aggregate classification (germline): Uncertain significance. Review status: criteria provided, multiple submitters, no conflicts (2 of 4 stars). 2 submissions from 2 submitters: Uncertain significance (2). Last evaluated 2026-04-22.

Conditions:
Inborn genetic diseases. Identifiers: MedGen C0950123, MeSH D030342.

gnomAD v4.1: 73 of 1,613,852 alleles (0.0045%); highest among the groups gnomAD compares: African/African-American, 0.035%; no homozygotes.

Submissions (3):

Women's Health and Genetics/Laboratory Corporation of America, LabCorp
Classification: Uncertain significance. Last evaluated: 2026-04-22. Review status: criteria provided, single submitter. Criteria: LabCorp Variant Classification Summary - May 2015. Collection method: clinical testing. Allele origin: germline.
Comment: Variant summary: ATAD3A c.980G>A (p.Arg327Gln) results in a conservative amino acid change in the encoded protein sequence. Algorithms developed to predict the effect of missense changes on protein structure and function are either unavailable or do not agree on the potential impact of this missense change. The variant allele was found at a frequency of 9.2e-05 in 251138 control chromosomes. This frequency is not significantly higher than estimated for disease-causing variants in ATAD3A, allowing no conclusion about variant significance. To our knowledge, no occurrence of c.980G>A in individuals affected with ATAD3A-related conditions and no experimental evidence demonstrating its impact on protein function have been reported. ClinVar contains an entry for this variant (Variation ID: 3130677). Based on the evidence outlined above, the variant was classified as uncertain significance.

Ambry Genetics
Classification: Uncertain significance for Inborn genetic diseases. Last evaluated: 2023-12-14. Review status: criteria provided, single submitter. Criteria: Ambry Variant Classification Scheme 2023. Collection method: clinical testing. Allele origin: germline.

Dr. Peter K. Rogan Lab, Western University
No classification provided (evidence only). Condition: Cervical cancer. Review status: no classification provided. Collection method: in vitro. Allele origin: not applicable. Functional consequence: retained intron. Not counted in ClinVar's aggregate classification.

NM_001170535.3(ATAD3A):c.980G>A (p.Arg327Gln)

Gene: ATAD3A (ATPase family AAA domain containing 3A; plus strand). Cytogenetic location: 1p36.33.
Variant type: single nucleotide variant.
Coding change: c.980G>A on transcript NM_001170535.3 (MANE Select); coding-DNA position 980, G replaced by A.
Protein change: p.Arg327Gln; replaces arginine 327 with glutamine.
Molecular consequence: missense variant.
Genome position (GRCh38, 1-based): chr1:1,523,855, G>A. VCF-style: chr1-1523855-G-A. GRCh37 (hg19) VCF-style: chr1-1459235-G-A.
Other names: NC_000001.10:g.1459235G>A; c.743G>A, p.Arg248Gln (NM_001170536.3); c.1124G>A, p.Arg375Gln (NM_018188.5); short protein forms R375Q, R248Q, R327Q.
Identifiers: ClinVar variation 3130677 (VCV003130677.3), dbSNP rs200238845, ClinGen allele CA526136.